The following is an entry in ClinVar:

ClinVar aggregate classification (germline): Uncertain significance. Review status: criteria provided, multiple submitters, no conflicts (2 of 4 stars). 3 submissions from 3 submitters: Uncertain significance (2). 1 of the submissions does not count toward it. Last evaluated 2022-10-03.

Conditions:
Ornithine aminotransferase deficiency (GACR). Also called: Ornithine ketoacid aminotransferase deficiency; Gyrate atrophy; Gyrate atrophy of choroid and retina; Girate atrophy of the retina; HYPERORNITHINEMIA WITH GYRATE ATROPHY OF CHOROID AND RETINA; OAT DEFICIENCY. Identifiers: Orphanet 414, MedGen C0018425, MONDO:0009796, OMIM 258870.

Allele frequency attached by ClinVar (database versions not stated): gnomAD exomes below 0.00001; TOPMed 0.00001.
gnomAD v4.1: 4 of 1,611,726 alleles (0.00025%); highest among the groups gnomAD compares: Admixed American, 0.0033%; no homozygotes.

Submissions (3):

Labcorp Genetics (formerly Invitae), Labcorp
Classification: Uncertain significance for Ornithine aminotransferase deficiency. Last evaluated: 2022-10-03. Review status: criteria provided, single submitter. Criteria: Invitae Variant Classification Sherloc (09022015). Collection method: clinical testing. Allele origin: germline.
Comment: This sequence change falls in intron 2 of the OAT gene. It does not directly change the encoded amino acid sequence of the OAT protein. It affects a nucleotide within the consensus splice site. This variant is present in population databases (no rsID available, gnomAD 0.003%). This variant has not been reported in the literature in individuals affected with OAT-related conditions. ClinVar contains an entry for this variant (Variation ID: 861917). Variants that disrupt the consensus splice site are a relatively common cause of aberrant splicing (PMID: 17576681, 9536098). Algorithms developed to predict the effect of sequence changes on RNA splicing suggest that this variant is not likely to affect RNA splicing. In summary, the available evidence is currently insufficient to determine the role of this variant in disease. Therefore, it has been classified as a Variant of Uncertain Significance.

Blueprint Genetics
Classification: Uncertain significance. Last evaluated: 2018-06-15. Review status: criteria provided, single submitter. Criteria: ACMG Guidelines, 2015. Collection method: clinical testing. Allele origin: germline.

Natera, Inc.
Classification: Uncertain significance for Gyrate atrophy. Last evaluated: 2021-05-05. Review status: no assertion criteria provided. Collection method: clinical testing. Allele origin: germline. Not counted in ClinVar's aggregate classification.

Literature cited by the submitters: PubMed 17576681 (cited by Labcorp Genetics (formerly Invitae), Labcorp); PubMed 9536098 (cited by Labcorp Genetics (formerly Invitae), Labcorp).

NM_000274.4(OAT):c.199+5G>A

Gene: OAT (ornithine aminotransferase; minus strand). Cytogenetic location: 10q26.13.
Variant type: single nucleotide variant.
Coding change: c.199+5G>A on transcript NM_000274.4 (MANE Select); 5 bases into the intron after coding-DNA position 199, G replaced by A.
Molecular consequence: intron variant.
Genome position (GRCh38, 1-based): chr10:124,411,968, C>T on the plus strand (G>A on the coding strand, the complement: OAT is on the minus strand). VCF-style: chr10-124411968-C-T. GRCh37 (hg19) VCF-style: chr10-126100537-C-T.
Other names: c.199+5G>A (NM_001322965.2, NM_001322971.2, NM_001322969.2 and 4 more transcripts); c.-215-3003G>A (NM_001171814.2); c.-515-3003G>A (NM_001322974.2).
Identifiers: ClinVar variation 861917 (VCV000861917.9), dbSNP rs1564739598, ClinGen allele CA596580036.